The following is an entry in ClinVar:

ClinVar aggregate classification (germline): Uncertain significance. Review status: criteria provided, multiple submitters, no conflicts (2 of 4 stars). 2 submissions from 2 submitters: Uncertain significance (2). Last evaluated 2025-12-08.

Conditions:
Hereditary cancer-predisposing syndrome. Also called: Hereditary Cancer Syndrome; Hereditary neoplastic syndrome; Tumor predisposition; Neoplastic Syndromes, Hereditary. Identifiers: Orphanet 140162, MedGen C0027672, MeSH D009386, MONDO:0015356.
Cardiovascular phenotype. Identifiers: MedGen CN230736.

Submissions (2):

Labcorp Genetics (formerly Invitae), Labcorp
Classification: Uncertain significance. Last evaluated: 2025-12-08. Review status: criteria provided, single submitter. Criteria: Invitae Variant Classification Sherloc (09022015). Collection method: clinical testing. Allele origin: germline.
Comment: This sequence change replaces lysine, which is basic and polar, with glutamic acid, which is acidic and polar, at codon 831 of the LZTR1 protein (p.Lys831Glu). This variant is present in population databases (rs747431445, gnomAD 0.003%). This variant has not been reported in the literature in individuals affected with LZTR1-related conditions. ClinVar contains an entry for this variant (Variation ID: 3541524). Invitae Evidence Modeling of protein sequence and biophysical properties (such as structural, functional, and spatial information, amino acid conservation, physicochemical variation, residue mobility, and thermodynamic stability) indicates that this missense variant is not expected to disrupt LZTR1 protein function with a negative predictive value of 80%. In summary, the available evidence is currently insufficient to determine the role of this variant in disease. Therefore, it has been classified as a Variant of Uncertain Significance.

Ambry Genetics
Classification: Uncertain significance for Cardiovascular phenotype; Hereditary cancer-predisposing syndrome. Last evaluated: 2024-08-31. Review status: criteria provided, single submitter. Criteria: Ambry Variant Classification Scheme 2023. Collection method: clinical testing. Allele origin: germline.
Comment: The p.K831E variant (also known as c.2491A>G), located in coding exon 21 of the LZTR1 gene, results from an A to G substitution at nucleotide position 2491. The lysine at codon 831 is replaced by glutamic acid, an amino acid with similar properties. This amino acid position is conserved. In addition, this alteration is predicted to be tolerated by in silico analysis. Based on the available evidence, the clinical significance of this variant remains unclear.

NM_006767.4(LZTR1):c.2491A>G (p.Lys831Glu)

Gene: LZTR1 (leucine zipper like post translational regulator 1; plus strand). Cytogenetic location: 22q11.21.
Variant type: single nucleotide variant.
Coding change: c.2491A>G on transcript NM_006767.4 (MANE Select); coding-DNA position 2491, A replaced by G.
Protein change: p.Lys831Glu; replaces lysine 831 with glutamic acid.
Molecular consequence: missense variant.
Genome position (GRCh38, 1-based): chr22:20,997,316, A>G. VCF-style: chr22-20997316-A-G. GRCh37 (hg19) VCF-style: chr22-21351605-A-G.
Other names: short protein forms K831E.
Identifiers: ClinVar variation 3541524 (VCV003541524.2).